The following is an entry in ClinVar:

GRCh38/hg38 3q22.1(chr3:131273462-131383846)x3

Genes: NEK11 (NIMA related kinase 11; plus strand), NUDT16 (nudix hydrolase 16; plus strand), NUDT16-DT (NUDT16 divergent transcript; minus strand), LOC129937577 (ATAC-STARR-seq lymphoblastoid active region 20532; plus strand). Cytogenetic location: 3q22.1.
Variant type: copy number gain.
Change: copy number 3 (three copies instead of two) of chr3:131,273,462-131,383,846 (110.4 kb, GRCh38 coordinates, 1-based), cytogenetic band 3q22.1.
Identifiers: ClinVar variation 59775 (VCV000059775.1).

ClinVar aggregate classification (germline): Benign (1 of 4 stars; one submission).

Submission:

ISCA site 15
Classification: Benign. Last evaluated: 2011-08-12. Review status: criteria provided, single submitter. Criteria: Kaminsky et al. (Genet Med. 2011). Collection method: clinical testing. Allele origin: unknown. Affected: yes. Observed: 1 variant allele.
Comment: Copy number variation identified through the course of routine clinical cytogenomic testing in postnatal populations. Clinical assertions have been curated as described in Kaminsky et al. 2011.